The following is an entry in ClinVar:

NM_004793.4(LONP1):c.341C>A (p.Pro114His)

Genes: LONP1 (lon peptidase 1, mitochondrial; minus strand), LOC130063270 (ATAC-STARR-seq lymphoblastoid silent region 9931; plus strand). Cytogenetic location: 19p13.3.
Variant type: single nucleotide variant.
Coding change: c.341C>A on transcript NM_004793.4 (MANE Select); coding-DNA position 341, C replaced by A.
Protein change: p.Pro114His; replaces proline 114 with histidine.
Molecular consequence: missense variant. On other transcripts: non-coding transcript variant (1), intron variant (1).
Genome position (GRCh38, 1-based): chr19:5,719,792, G>T on the plus strand (C>A on the coding strand, the complement: LONP1 is on the minus strand). VCF-style: chr19-5719792-G-T. GRCh37 (hg19) VCF-style: chr19-5719803-G-T.
Other names: c.149C>A, p.Pro50His (NM_001276479.2); c.-160+427C>A (NM_001276480.1); short protein forms P114H, P50H.
Identifiers: ClinVar variation 1803395 (VCV001803395.1), dbSNP rs2055399765, ClinGen allele CA403543520.

ClinVar aggregate classification (germline): Uncertain significance (1 of 4 stars; one submission).

Allele frequency attached by ClinVar (database versions not stated): gnomAD 0.00001; TOPMed 0.00001; gnomAD exomes 0.00002.
gnomAD v4.1: 30 of 1,612,942 alleles (0.0019%); highest among the groups gnomAD compares: Non-Finnish European, 0.0025%; no homozygotes.

Submission:

GeneDx
Classification: Uncertain significance. Last evaluated: 2022-06-09. Review status: criteria provided, single submitter. Criteria: GeneDx Variant Classification Process June 2021. Collection method: clinical testing. Allele origin: germline. Affected: yes.
Comment: Not observed at significant frequency in large population cohorts (gnomAD); In silico analysis supports that this missense variant has a deleterious effect on protein structure/function; Has not been previously published as pathogenic or benign to our knowledge